The following is an entry in ClinVar:

ClinVar aggregate classification (germline): Uncertain significance (1 of 4 stars; one submission).

Submission:

GeneDx
Classification: Uncertain significance. Last evaluated: 2026-03-03. Review status: criteria provided, single submitter. Criteria: GeneDx Variant Classification Process June 2021. Collection method: clinical testing. Allele origin: germline.
Comment: Not observed at significant frequency in large population cohorts (gnomAD); In silico analysis suggests that this missense variant does not alter protein structure/function; Has not been previously published as pathogenic or benign to our knowledge; This variant is associated with the following publications: (PMID: 12070251)

NM_004380.3(CREBBP):c.4519C>A (p.Leu1507Met)

Gene: CREBBP (CREB binding lysine acetyltransferase; minus strand). Cytogenetic location: 16p13.3.
Variant type: single nucleotide variant.
Coding change: c.4519C>A on transcript NM_004380.3 (MANE Select); coding-DNA position 4519, C replaced by A.
Protein change: p.Leu1507Met; replaces leucine 1507 with methionine.
Molecular consequence: missense variant.
Genome position (GRCh38, 1-based): chr16:3,736,691, G>T on the plus strand (C>A on the coding strand, the complement: CREBBP is on the minus strand). VCF-style: chr16-3736691-G-T. GRCh37 (hg19) VCF-style: chr16-3786692-G-T.
Other names: c.4405C>A, p.Leu1469Met (NM_001079846.1); short protein forms L1469M, L1507M.
Identifiers: ClinVar variation 5008446 (VCV005008446.1).